The following is an entry in ClinVar:

NM_006005.3(WFS1):c.2251G>C (p.Glu751Gln)

Gene: WFS1 (wolframin ER transmembrane glycoprotein; plus strand). Cytogenetic location: 4p16.1.
Variant type: single nucleotide variant.
Coding change: c.2251G>C on transcript NM_006005.3 (MANE Select); coding-DNA position 2251, G replaced by C.
Protein change: p.Glu751Gln; replaces glutamic acid 751 with glutamine.
Molecular consequence: missense variant.
Genome position (GRCh38, 1-based): chr4:6,302,046, G>C. VCF-style: chr4-6302046-G-C. GRCh37 (hg19) VCF-style: chr4-6303773-G-C.
Other names: c.2251G>C, p.Glu751Gln (NM_001145853.1); short protein forms E751Q.
Identifiers: ClinVar variation 1490452 (VCV001490452.15), dbSNP rs147465252, ClinGen allele CA2839663.

ClinVar aggregate classification (germline): Uncertain significance. Review status: criteria provided, multiple submitters, no conflicts (2 of 4 stars). 5 submissions from 5 submitters: Uncertain significance (5). Last evaluated 2026-01-14.

Conditions:
Inborn genetic diseases. Identifiers: MedGen C0950123, MeSH D030342.
WFS1-related disorder. Identifiers: MedGen CN379391, MONDO:0700293.
Autosomal dominant nonsyndromic hearing loss 6 (LFSNHL). Also called: DEAFNESS, AUTOSOMAL DOMINANT 6; Autosomal dominant nonsyndromic deafness 6; DEAFNESS, AUTOSOMAL DOMINANT 14; DEAFNESS, AUTOSOMAL DOMINANT 38. Identifiers: Orphanet 90635, MedGen C1833021, MONDO:0010963, OMIM 600965.
Type 2 diabetes mellitus. Also called: Type II diabetes mellitus. Identifiers: MedGen C0011860, MeSH D003924, MONDO:0005148, OMIM 125853, HP:0005978.
Wolfram-like syndrome. Also called: HEARING LOSS, PROGRESSIVE, WITH OPTIC ATROPHY AND/OR IMPAIRED GLUCOSE REGULATION. Identifiers: Orphanet 411590, MedGen C3280358, MONDO:0013673, OMIM 614296.
Cataract 41 (CTRCT41). Also called: CATARACT 41, CONGENITAL NUCLEAR TYPE. Identifiers: Orphanet 91492, Orphanet 98991, Orphanet 98992, Orphanet 98995, MedGen C3805412, MONDO:0007287, OMIM 116400.
Wolfram syndrome 1 (WFS1). Identifiers: Orphanet 3463, MedGen C4551693, MONDO:0009101, OMIM 222300.

Allele frequency attached by ClinVar (database versions not stated): ESP Exome Variant Server 0.00008; 1000 Genomes Project 30x 0.00016; 1000 Genomes Project 0.00020.
gnomAD v4.1: 22 of 1,612,802 alleles (0.0014%); highest among the groups gnomAD compares: African/African-American, 0.027%; no homozygotes.

Submissions (5):

PreventionGenetics, part of Exact Sciences
Classification: Uncertain significance for WFS1-related condition. Last evaluated: 2026-01-14. Review status: criteria provided, single submitter. Criteria: ACMG Guidelines, 2015. Collection method: clinical testing. Allele origin: germline.
Comment: The WFS1 c.2251G>C variant is predicted to result in the amino acid substitution p.Glu751Gln. To our knowledge, this variant has not been reported in the literature. This variant is reported in 0.025% of alleles in individuals of African descent in gnomAD. At this time, the clinical significance of this variant is uncertain due to the absence of conclusive functional and genetic evidence.

GeneDx
Classification: Uncertain significance. Last evaluated: 2026-01-06. Review status: criteria provided, single submitter. Criteria: GeneDx Variant Classification Process June 2021. Collection method: clinical testing. Allele origin: germline.
Comment: In silico analysis suggests that this missense variant does not alter protein structure/function; Has not been previously published as pathogenic or benign to our knowledge

Fulgent Genetics
Classification: Uncertain significance for Cataract 41; Type 2 diabetes mellitus; Wolfram syndrome 1; Autosomal dominant nonsyndromic hearing loss 6; Wolfram-like syndrome. Last evaluated: 2024-03-27. Review status: criteria provided, single submitter. Criteria: ACMG Guidelines, 2015. Collection method: clinical testing. Allele origin: germline.

Labcorp Genetics (formerly Invitae), Labcorp
Classification: Uncertain significance. Last evaluated: 2023-11-13. Review status: criteria provided, single submitter. Criteria: Invitae Variant Classification Sherloc (09022015). Collection method: clinical testing. Allele origin: germline.
Comment: This sequence change replaces glutamic acid, which is acidic and polar, with glutamine, which is neutral and polar, at codon 751 of the WFS1 protein (p.Glu751Gln). This variant is present in population databases (rs147465252, gnomAD 0.03%). This variant has not been reported in the literature in individuals affected with WFS1-related conditions. ClinVar contains an entry for this variant (Variation ID: 1490452). Advanced modeling of protein sequence and biophysical properties (such as structural, functional, and spatial information, amino acid conservation, physicochemical variation, residue mobility, and thermodynamic stability) performed at Invitae indicates that this missense variant is not expected to disrupt WFS1 protein function with a negative predictive value of 95%. In summary, the available evidence is currently insufficient to determine the role of this variant in disease. Therefore, it has been classified as a Variant of Uncertain Significance.

Ambry Genetics
Classification: Uncertain significance for Inborn genetic diseases. Last evaluated: 2023-02-14. Review status: criteria provided, single submitter. Criteria: Ambry Variant Classification Scheme 2023. Collection method: clinical testing. Allele origin: germline.